The following is an entry in ClinVar:

ClinVar aggregate classification (germline): Uncertain significance (1 of 4 stars; one submission).

Submission:

Labcorp Genetics (formerly Invitae), Labcorp
Classification: Uncertain significance. Last evaluated: 2024-01-17. Review status: criteria provided, single submitter. Criteria: Invitae Variant Classification Sherloc (09022015). Collection method: clinical testing. Allele origin: germline.
Comment: This sequence change replaces alanine, which is neutral and non-polar, with glutamic acid, which is acidic and polar, at codon 169 of the RP1 protein (p.Ala169Glu). This variant is not present in population databases (gnomAD no frequency). This variant has not been reported in the literature in individuals affected with RP1-related conditions. ClinVar contains an entry for this variant (Variation ID: 1501935). An algorithm developed to predict the effect of missense changes on protein structure and function (PolyPhen-2) suggests that this variant is likely to be tolerated. In summary, the available evidence is currently insufficient to determine the role of this variant in disease. Therefore, it has been classified as a Variant of Uncertain Significance.

NM_006269.2(RP1):c.506C>A (p.Ala169Glu)

Gene: RP1 (RP1 axonemal microtubule associated; plus strand). Cytogenetic location: 8q12.1.
Variant type: single nucleotide variant.
Coding change: c.506C>A on transcript NM_006269.2 (MANE Select); coding-DNA position 506, C replaced by A.
Protein change: p.Ala169Glu; replaces alanine 169 with glutamic acid.
Molecular consequence: missense variant.
Genome position (GRCh38, 1-based): chr8:54,621,472, C>A. VCF-style: chr8-54621472-C-A. GRCh37 (hg19) VCF-style: chr8-55534032-C-A.
Other names: c.506C>A, p.Ala169Glu (NM_001375654.1); short protein forms A169E.
Identifiers: ClinVar variation 1501935 (VCV001501935.6), dbSNP rs747000732, ClinGen allele CA370987086.
Genomic context (GRCh38, chr8:54,621,472, plus strand): 5'-TGCCCCGCCCCCCACGGAGCCTAGTGGTCTTCAGGAATGGCGACCCGAAGACGAGGCGTG[C>A]GGTTCTTCTGAGCAGGAGGGTCACCCAGAGCTTCGAGGCATTTCTACAGCACCTGACAGA-3'
Protein context (NP_006260.1, residues 159-179): FRNGDPKTRR[Ala169Glu]VLLSRRVTQS